The following is an entry in ClinVar:

ClinVar aggregate classification (germline): Pathogenic. Review status: criteria provided, multiple submitters, no conflicts (2 of 4 stars). 2 submissions from 2 submitters: Pathogenic (2). Last evaluated 2024-02-06.

Conditions:
Microcephalic osteodysplastic primordial dwarfism type II (MOPD2). Also called: Microcephalic osteodysplastic primordial dwarfism with tooth abnormalities; MOPD II; OSTEODYSPLASTIC PRIMORDIAL DWARFISM, TYPE II. Identifiers: Orphanet 2637, MedGen C0432246, MONDO:0008872, OMIM 210720.

Allele frequency attached by ClinVar (database versions not stated): gnomAD exomes below 0.00001; TOPMed 0.00001; gnomAD 0.00002 and 0.00003.
gnomAD v4.1: 6 of 1,613,984 alleles (0.00037%); highest among the groups gnomAD compares: African/African-American, 0.0067%; no homozygotes.

Submissions (2):

Labcorp Genetics (formerly Invitae), Labcorp
Classification: Pathogenic. Last evaluated: 2024-02-06. Review status: criteria provided, single submitter. Criteria: Invitae Variant Classification Sherloc (09022015). Collection method: clinical testing. Allele origin: germline.
Comment: This sequence change creates a premature translational stop signal (p.Glu1294*) in the PCNT gene. It is expected to result in an absent or disrupted protein product. Loss-of-function variants in PCNT are known to be pathogenic (PMID: 18174396, 22821869). This variant is not present in population databases (gnomAD no frequency). This variant has not been reported in the literature in individuals affected with PCNT-related conditions. ClinVar contains an entry for this variant (Variation ID: 436263). Algorithms developed to predict the effect of sequence changes on RNA splicing suggest that this variant may disrupt the consensus splice site. For these reasons, this variant has been classified as Pathogenic.

Genetic Services Laboratory, University of Chicago
Classification: Pathogenic for Microcephalic osteodysplastic primordial dwarfism, type II. Last evaluated: 2016-10-13. Review status: criteria provided, single submitter. Criteria: ACMG Guidelines, 2015. Collection method: clinical testing. Allele origin: germline. Affected: yes.

Literature cited by the submitters: PubMed 18174396 (cited by Labcorp Genetics (formerly Invitae), Labcorp); PubMed 22821869 (cited by Labcorp Genetics (formerly Invitae), Labcorp).

NM_006031.6(PCNT):c.3880G>T (p.Glu1294Ter)

Gene: PCNT (pericentrin; plus strand). Cytogenetic location: 21q22.3.
Variant type: single nucleotide variant.
Coding change: c.3880G>T on transcript NM_006031.6 (MANE Select); coding-DNA position 3880, G replaced by T.
Protein change: p.Glu1294Ter; replaces glutamic acid 1294 with a stop codon.
Molecular consequence: nonsense.
Genome position (GRCh38, 1-based): chr21:46,390,709, G>T. VCF-style: chr21-46390709-G-T. GRCh37 (hg19) VCF-style: chr21-47810624-G-T.
Other names: c.3526G>T, p.Glu1176Ter (NM_001315529.2); short protein forms E1294*, E1176*.
Identifiers: ClinVar variation 436263 (VCV000436263.8), dbSNP rs1359618876, ClinGen allele CA410576140.
Genomic context (GRCh38, chr21:46,390,709, plus strand): 5'-TTTGCAAATGTGTTTTAACAGCTGGAAGAAGCACGCCAAATTCATTCTCGTTTTGAAAAA[G>T]AATTTAGTTTTAAGAATGAGGAGACAGCACAGGTTGTCAGGAAGCACCAGGAGCTGCTGG-3'